The following is an entry in ClinVar:

NM_001042681.2(RERE):c.4545C>T (p.His1515=)

Gene: RERE (arginine-glutamic acid dipeptide repeats; minus strand). Cytogenetic location: 1p36.23.
Variant type: single nucleotide variant.
Coding change: c.4545C>T on transcript NM_001042681.2 (MANE Select); coding-DNA position 4545, C replaced by T.
Protein change: p.His1515=; no amino-acid change (histidine 1515 retained).
Molecular consequence: synonymous variant.
Genome position (GRCh38, 1-based): chr1:8,355,541, G>A on the plus strand (C>T on the coding strand, the complement: RERE is on the minus strand). VCF-style: chr1-8355541-G-A. GRCh37 (hg19) VCF-style: chr1-8415601-G-A.
Other names: c.2883C>T, p.His961= (NM_001042682.2); c.4545C>T, p.His1515= (NM_012102.4).
Identifiers: ClinVar variation 2672321 (VCV002672321.23), dbSNP rs765290933, ClinGen allele CA570744.

ClinVar aggregate classification (germline): Likely benign (1 of 4 stars; one submission).

Allele frequency attached by ClinVar (database versions not stated): ExAC 0.00001; gnomAD exomes 0.00001.
gnomAD v4.1: 5 of 1,607,456 alleles (0.00031%); highest among the groups gnomAD compares: South Asian, 0.0055%; no homozygotes.

Submission:

CeGaT Center for Human Genetics Tuebingen
Classification: Likely benign. Last evaluated: 2023-11-01. Review status: criteria provided, single submitter. Criteria: CeGaT Center For Human Genetics Tuebingen Variant Classification Criteria Version 2. Collection method: clinical testing. Allele origin: germline. Affected: yes. Observed: 1 variant allele.
Comment: RERE: BP4, BP7